The following is an entry in ClinVar:

ClinVar aggregate classification (germline): Likely pathogenic (1 of 4 stars; one submission).

Conditions:
Abetalipoproteinaemia (ABL). Also called: Abetalipoproteinemia; Abetalipoproteinemia neuropathy; Apolipoprotein B deficiency; Congenital betalipoprotein deficiency syndrome; MTP DEFICIENCY. Identifiers: Orphanet 14, MedGen C0000744, MONDO:0008692, OMIM 200100, HP:0008181.

Submission:

Myriad Genetics, Inc.
Classification: Likely pathogenic for Abetalipoproteinaemia. Last evaluated: 2019-10-06. Review status: criteria provided, single submitter. Criteria: Myriad Women's Health Autosomal Recessive and X-Linked Classification Criteria (2019). Collection method: clinical testing. Allele origin: unknown.
Comment: NM_000253.2(MTTP):c.583A>T(K195*) is expected to be pathogenic in the context of abetalipoproteinemia. This variant is predicted to lead to an abnormal or absent protein product due to the creation of a premature termination codon in MTTP, a gene where loss-of-function variants are known to be pathogenic. Please note: this variant was assessed in the context of healthy population screening.

NM_001386140.1(MTTP):c.583A>T (p.Lys195Ter)

Gene: MTTP (microsomal triglyceride transfer protein; plus strand). Cytogenetic location: 4q23.
Variant type: single nucleotide variant.
Coding change: c.583A>T on transcript NM_001386140.1 (MANE Select); coding-DNA position 583, A replaced by T.
Protein change: p.Lys195Ter; replaces lysine 195 with a stop codon.
Molecular consequence: nonsense.
Genome position (GRCh38, 1-based): chr4:99,591,316, A>T. VCF-style: chr4-99591316-A-T. GRCh37 (hg19) VCF-style: chr4-100512473-A-T.
Other names: c.583A>T, p.Lys195Ter (NM_000253.4); c.334A>T, p.Lys112Ter (NM_001300785.2); short protein forms K112*, K195*.
Identifiers: ClinVar variation 984260 (VCV000984260.3), dbSNP rs1725413862, ClinGen allele CA357504580.